The following is an entry in ClinVar:

ClinVar aggregate classification (germline): Uncertain significance (1 of 4 stars; one submission).

Conditions:
Pyogenic arthritis-pyoderma gangrenosum-acne syndrome (PAPA). Also called: PAPA SYNDROME; FAMILIAL RECURRENT ARTHRITIS. Identifiers: Orphanet 69126, MedGen C1858361, MONDO:0011462, OMIM 604416.

gnomAD v4.1: 9 of 1,588,020 alleles (0.00057%); highest among the groups gnomAD compares: Non-Finnish European, 0.00077%; no homozygotes.

Submission:

Labcorp Genetics (formerly Invitae), Labcorp
Classification: Uncertain significance for Pyogenic arthritis-pyoderma gangrenosum-acne syndrome. Last evaluated: 2025-05-01. Review status: criteria provided, single submitter. Criteria: Invitae Variant Classification Sherloc (09022015). Collection method: clinical testing. Allele origin: germline.
Comment: This sequence change replaces methionine, which is neutral and non-polar, with valine, which is neutral and non-polar, at codon 35 of the PSTPIP1 protein (p.Met35Val). This variant is not present in population databases (gnomAD no frequency). This variant has not been reported in the literature in individuals affected with PSTPIP1-related conditions. ClinVar contains an entry for this variant (Variation ID: 3716097). Invitae Evidence Modeling of protein sequence and biophysical properties (such as structural, functional, and spatial information, amino acid conservation, physicochemical variation, residue mobility, and thermodynamic stability) indicates that this missense variant is not expected to disrupt PSTPIP1 protein function with a negative predictive value of 80%. In summary, the available evidence is currently insufficient to determine the role of this variant in disease. Therefore, it has been classified as a Variant of Uncertain Significance.

NM_003978.5(PSTPIP1):c.103A>G (p.Met35Val)

Gene: PSTPIP1 (proline-serine-threonine phosphatase interacting protein 1; plus strand). Cytogenetic location: 15q24.3.
Variant type: single nucleotide variant.
Coding change: c.103A>G on transcript NM_003978.5 (MANE Select); coding-DNA position 103, A replaced by G.
Protein change: p.Met35Val; replaces methionine 35 with valine.
Molecular consequence: missense variant. On other transcripts: non-coding transcript variant (1).
Genome position (GRCh38, 1-based): chr15:77,018,214, A>G. VCF-style: chr15-77018214-A-G. GRCh37 (hg19) VCF-style: chr15-77310555-A-G.
Other names: c.103A>G, p.Met35Val (NM_001321135.2, NM_001411086.1); c.76A>G, p.Met26Val (NM_001321136.2); c.298A>G, p.Met100Val (NM_001321137.1); short protein forms M100V, M26V, M35V.
Identifiers: ClinVar variation 3716097 (VCV003716097.2).